The following is an entry in ClinVar:

NM_147127.5(EVC2):c.748G>A (p.Ala250Thr)

Gene: EVC2 (EvC ciliary complex subunit 2; minus strand). Cytogenetic location: 4p16.2.
Variant type: single nucleotide variant.
Coding change: c.748G>A on transcript NM_147127.5 (MANE Select); coding-DNA position 748, G replaced by A.
Protein change: p.Ala250Thr; replaces alanine 250 with threonine.
Molecular consequence: missense variant.
Genome position (GRCh38, 1-based): chr4:5,685,438, C>T on the plus strand (G>A on the coding strand, the complement: EVC2 is on the minus strand). VCF-style: chr4-5685438-C-T. GRCh37 (hg19) VCF-style: chr4-5687165-C-T.
Other names: c.508G>A, p.Ala170Thr (NM_001166136.2); short protein forms A170T, A250T.
Identifiers: ClinVar variation 2000384 (VCV002000384.4), dbSNP rs2475578823, ClinGen allele CA356146894.
Genomic context (GRCh38, chr4:5,685,438, plus strand): 5'-AGCTCTGAAAGGTGAGTTGGGCAGGAAGCTTGAGGCTCTCCCCGTTCCCGAGGTCTCCAG[C>T]CTGGAGCGTGGCTGCGTAGCTGACAGCAAAGGCATCTCCCACTGCGCAGAGAAAAGCACA-3'
Protein context (NP_667338.3, residues 240-260): FAVSYAATLQ[Ala250Thr]GDLGNGESLK

ClinVar aggregate classification (germline): Uncertain significance (1 of 4 stars; one submission).

Conditions:
Curry-Hall syndrome (WAD). Also called: WEYERS ACRODENTAL DYSOSTOSIS. Identifiers: Orphanet 952, MedGen C0457013, MONDO:0008673, OMIM 193530.
Ellis-van Creveld syndrome (EVC). Also called: EVC-Related Ellis-van Creveld Syndrome; EVC2-Related Ellis-van Creveld Syndrome; MESOECTODERMAL DYSPLASIA; Chondroectodermal dysplasia. Identifiers: Orphanet 289, MedGen C0013903, MONDO:0009162, OMIM 225500.

Submission:

Labcorp Genetics (formerly Invitae), Labcorp
Classification: Uncertain significance for Curry-Hall syndrome; Ellis-van Creveld syndrome. Last evaluated: 2022-11-28. Review status: criteria provided, single submitter. Criteria: Invitae Variant Classification Sherloc (09022015). Collection method: clinical testing. Allele origin: germline.
Comment: This variant is not present in population databases (gnomAD no frequency). This variant has not been reported in the literature in individuals affected with EVC2-related conditions. Algorithms developed to predict the effect of missense changes on protein structure and function (SIFT, PolyPhen-2, Align-GVGD) all suggest that this variant is likely to be tolerated. In summary, the available evidence is currently insufficient to determine the role of this variant in disease. Therefore, it has been classified as a Variant of Uncertain Significance. This sequence change replaces alanine, which is neutral and non-polar, with threonine, which is neutral and polar, at codon 250 of the EVC2 protein (p.Ala250Thr).